The following is an entry in ClinVar:

ClinVar aggregate classification (germline): Likely benign (1 of 4 stars; one submission).

Conditions:
Junctional epidermolysis bullosa. Identifiers: Orphanet 305, MedGen C0079301, MONDO:0017612.

Allele frequency attached by ClinVar (database versions not stated): gnomAD below 0.00001 and 0.00019; TOPMed 0.00005; gnomAD exomes 0.00037; 1000 Genomes Project 30x 0.00156; 1000 Genomes Project 0.00160.

Submission:

Illumina Laboratory Services, Illumina
Classification: Likely benign for Junctional epidermolysis bullosa. Last evaluated: 2018-01-13. Review status: criteria provided, single submitter. Criteria: ICSL Variant Classification Criteria 13 December 2019. Collection method: clinical testing. Allele origin: germline.
Comment: This variant was observed in the ICSL laboratory as part of a predisposition screen in an ostensibly healthy population. It had not been previously curated by ICSL or reported in the Human Gene Mutation Database (HGMD: prior to June 1st, 2018), and was therefore a candidate for classification through an automated scoring system. Utilizing variant allele frequency, disease prevalence and penetrance estimates, and inheritance mode, an automated score was calculated to assess if this variant is too frequent to cause the disease. Based on the score and internal cut-off values, a variant classified as likely benign is not then subjected to further curation. The score for this variant resulted in a classification of likely benign for this disease.

NM_000228.3(LAMB3):c.*70G>A

Gene: LAMB3 (laminin subunit beta 3; minus strand). Cytogenetic location: 1q32.2.
Variant type: single nucleotide variant.
Coding change: c.*70G>A on transcript NM_000228.3 (MANE Select); 70 bases downstream of the stop codon, G replaced by A.
Molecular consequence: 3 prime UTR variant.
Genome position (GRCh38, 1-based): chr1:209,615,201, C>T on the plus strand (G>A on the coding strand, the complement: LAMB3 is on the minus strand). VCF-style: chr1-209615201-C-T. GRCh37 (hg19) VCF-style: chr1-209788546-C-T.
Other names: c.*70G>A (NM_001017402.2, NM_001127641.1).
Identifiers: ClinVar variation 875046 (VCV000875046.4), dbSNP rs368450102, ClinGen allele CA36742883.